The following is an entry in ClinVar:

NM_000302.4(PLOD1):c.1862C>T (p.Ala621Val)

Gene: PLOD1 (procollagen-lysine,2-oxoglutarate 5-dioxygenase 1; plus strand). Cytogenetic location: 1p36.22.
Variant type: single nucleotide variant.
Coding change: c.1862C>T on transcript NM_000302.4 (MANE Select); coding-DNA position 1862, C replaced by T.
Protein change: p.Ala621Val; replaces alanine 621 with valine.
Molecular consequence: missense variant.
Genome position (GRCh38, 1-based): chr1:11,970,776, C>T. VCF-style: chr1-11970776-C-T. GRCh37 (hg19) VCF-style: chr1-12030833-C-T.
Other names: c.2003C>T, p.Ala668Val (NM_001316320.2); short protein forms A621V, A668V.
Identifiers: ClinVar variation 1163621 (VCV001163621.8), dbSNP rs774249367, ClinGen allele CA598587.

ClinVar aggregate classification (germline): Uncertain significance. Review status: criteria provided, multiple submitters, no conflicts (2 of 4 stars). 3 submissions from 3 submitters: Uncertain significance (3). Last evaluated 2024-12-17.

Conditions:
Familial thoracic aortic aneurysm and aortic dissection (TAAD). Also called: Thoracic aortic aneurysms and dissections. Identifiers: Orphanet 91387, MedGen C4707243, MONDO:0019625.

Allele frequency attached by ClinVar (database versions not stated): gnomAD 0.00001; gnomAD exomes 0.00001 and 0.00002; ExAC 0.00002.
gnomAD v4.1: 19 of 1,610,278 alleles (0.0012%); highest among the groups gnomAD compares: Non-Finnish European, 0.0015%; no homozygotes.

Submissions (3):

Women's Health and Genetics/Laboratory Corporation of America, LabCorp
Classification: Uncertain significance. Last evaluated: 2024-12-17. Review status: criteria provided, single submitter. Criteria: LabCorp Variant Classification Summary - May 2015. Collection method: clinical testing. Allele origin: germline.
Comment: Variant summary: PLOD1 c.1862C>T (p.Ala621Val) results in a non-conservative amino acid change located in the Prolyl 4-hydroxylase alpha subunit homologue domain (IPR006620) of the encoded protein sequence. Three of five in-silico tools predict a benign effect of the variant on protein function. The variant allele was found at a frequency of 2e-05 in 250672 control chromosomes. The available data on variant occurrences in the general population are insufficient to allow any conclusion about variant significance. To our knowledge, no occurrence of c.1862C>T in individuals affected with Ehlers-Danlos syndrome, kyphoscoliotic type 1 and no experimental evidence demonstrating its impact on protein function have been reported. ClinVar contains an entry for this variant (Variation ID: 1163621). Based on the evidence outlined above, the variant was classified as uncertain significance.

Ambry Genetics
Classification: Uncertain significance for Familial thoracic aortic aneurysm and aortic dissection. Last evaluated: 2023-01-01. Review status: criteria provided, single submitter. Criteria: Ambry Variant Classification Scheme 2023. Collection method: clinical testing. Allele origin: germline.
Comment: The p.A621V variant (also known as c.1862C>T), located in coding exon 17 of the PLOD1 gene, results from a C to T substitution at nucleotide position 1862. The alanine at codon 621 is replaced by valine, an amino acid with similar properties. This amino acid position is conserved. In addition, the in silico prediction for this alteration is inconclusive. Since supporting evidence is limited at this time, the clinical significance of this alteration remains unclear.

Mayo Clinic Laboratories, Mayo Clinic
Classification: Uncertain significance. Last evaluated: 2020-10-19. Review status: criteria provided, single submitter. Criteria: ACMG Guidelines, 2015. Collection method: clinical testing. Allele origin: germline. Observed: 1 variant allele.